The following is an entry in ClinVar:

ClinVar aggregate classification (germline): Benign. Review status: criteria provided, multiple submitters, no conflicts (2 of 4 stars). 2 submissions from 2 submitters: Benign (2). Last evaluated 2018-06-14.

Allele frequency attached by ClinVar (database versions not stated): gnomAD exomes 0.03960; gnomAD 0.06038 and 0.06278; TOPMed 0.06142; 1000 Genomes Project 30x 0.09775; 1000 Genomes Project 0.09844.
gnomAD v4.1: 32,136 of 725,552 alleles (4.4%); highest among the groups gnomAD compares: African/African-American, 15%; 1,722 homozygotes.

Submissions (2):

GeneDx
Classification: Benign. Last evaluated: 2018-06-14. Review status: criteria provided, single submitter. Criteria: GeneDx Variant Classification (06012015). Collection method: clinical testing. Allele origin: germline. Affected: yes.
Comment: This variant is considered likely benign or benign based on one or more of the following criteria: it is a conservative change, it occurs at a poorly conserved position in the protein, it is predicted to be benign by multiple in silico algorithms, and/or has population frequency not consistent with disease.

Breakthrough Genomics
Classification: Benign. Review status: criteria provided, single submitter. Criteria: ACMG Guidelines, 2015. Collection method: not provided. Allele origin: germline. Inheritance: Autosomal dominant inheritance. Affected: yes.

NM_001276345.2(TNNT2):c.810+181C>T

Gene: TNNT2 (troponin T2, cardiac type; minus strand). Cytogenetic location: 1q32.1.
Variant type: single nucleotide variant.
Coding change: c.810+181C>T on transcript NM_001276345.2 (MANE Select); 181 bases into the intron after coding-DNA position 810, C replaced by T.
Molecular consequence: intron variant.
Genome position (GRCh38, 1-based): chr1:201,361,098, G>A on the plus strand (C>T on the coding strand, the complement: TNNT2 is on the minus strand). VCF-style: chr1-201361098-G-A. GRCh37 (hg19) VCF-style: chr1-201330226-G-A.
Other names: c.762+181C>T (NM_001001432.3); c.771+181C>T (NM_001001431.3); c.780+181C>T (NM_001001430.3, NM_001276347.2); c.681+181C>T (NM_001276346.2); c.801+181C>T (NM_000364.4).
Identifiers: ClinVar variation 672964 (VCV000672964.2), dbSNP rs12564577, ClinGen allele CA35417726.